The following is an entry in ClinVar:

ClinVar aggregate classification (germline): Uncertain significance. Review status: criteria provided, multiple submitters, no conflicts (2 of 4 stars). 2 submissions from 2 submitters: Uncertain significance (2). Last evaluated 2025-09-10.

Conditions:
Mitochondrial complex I deficiency, nuclear type 31. Also called: Mitochondrial complex 1 deficiency, nuclear type 31. Identifiers: MedGen C4748838, MONDO:0032634, OMIM 618251.

Submissions (2):

Genomic Medicine Center of Excellence, King Faisal Specialist Hospital and Research Centre
Classification: Uncertain significance for Mitochondrial complex I deficiency, nuclear type 31. Last evaluated: 2025-09-10. Review status: criteria provided, single submitter. Criteria: ACMG Guidelines, 2015. Collection method: clinical testing. Allele origin: germline.

Baylor Genetics
Classification: Uncertain significance for Mitochondrial complex I deficiency, nuclear type 31. Last evaluated: 2020-07-27. Review status: criteria provided, single submitter. Criteria: ACMG Guidelines, 2015. Collection method: clinical testing. Allele origin: unknown. Affected: yes.
Comment: This variant was determined to be of uncertain significance according to ACMG Guidelines, 2015 [PMID:25741868].

NM_016589.4(TIMMDC1):c.361-5T>G

Gene: TIMMDC1 (translocase of inner mitochondrial membrane domain containing 1; plus strand). Cytogenetic location: 3q13.33.
Variant type: single nucleotide variant.
Coding change: c.361-5T>G on transcript NM_016589.4 (MANE Select); 5 bases into the intron before coding-DNA position 361, T replaced by G.
Molecular consequence: intron variant.
Genome position (GRCh38, 1-based): chr3:119,503,527, T>G. VCF-style: chr3-119503527-T-G. GRCh37 (hg19) VCF-style: chr3-119222374-T-G.
Identifiers: ClinVar variation 1030568 (VCV001030568.2), dbSNP rs531927123, ClinGen allele CA1396587524.